The following is an entry in ClinVar:

ClinVar aggregate classification (germline): Conflicting classifications of pathogenicity. Review status: criteria provided, conflicting classifications (1 of 4 stars). 5 submissions from 5 submitters: Uncertain significance (3); Likely benign (2). Last evaluated 2024-04-19.

Conditions:
Hereditary cancer-predisposing syndrome. Also called: Neoplastic Syndromes, Hereditary; Tumor predisposition; Hereditary neoplastic syndrome; Hereditary Cancer Syndrome. Identifiers: Orphanet 140162, MedGen C0027672, MeSH D009386, MONDO:0015356.
Hereditary breast ovarian cancer syndrome. Also called: Hereditary breast and ovarian cancer syndrome; Hereditary breast and ovarian cancer; Hereditary breast and ovarian cancer syndrome (HBOC); Breast and ovarian cancer; Hereditary breast and/or ovarian cancer syndrome; BRCA1- and BRCA2-Associated Hereditary Breast and Ovarian Cancer. Identifiers: Orphanet 145, MedGen C0677776, MeSH D061325, MONDO:0003582. Disease mechanism: loss of function.
BRCA2-related cancer predisposition. Identifiers: MedGen CN377758, MONDO:0700269.

gnomAD v4.1: 2 of 1,613,982 alleles (0.00012%); highest among the groups gnomAD compares: African/African-American, 0.0027%; no homozygotes.

Submissions (5):

Women's Health and Genetics/Laboratory Corporation of America, LabCorp
Classification: Likely benign. Last evaluated: 2024-04-19. Review status: criteria provided, single submitter. Criteria: LabCorp Variant Classification Summary - May 2015. Collection method: clinical testing. Allele origin: germline.
Comment: Variant summary: BRCA2 c.8303T>C (p.Leu2768Pro) results in a non-conservative amino acid change located in the BRCA2, OB1 domain (IPR015187) of the encoded protein sequence. Five of five in-silico tools predict a damaging effect of the variant on protein function. The variant was absent in 248454 control chromosomes. c.8303T>C has been reported in the literature in individuals affected with biliary tract cancer without strong evidence for causality (Okawa_2023, Wardell_2018) and one of these reports classified the variant as benign (Okawa_2023). Multiple reports have shown no damaging effect of this variant (Hart_2019, Richardson_2021, Sahu_2023). HDR assays qualify as a recognized gold standard on the basis of updated guidance provided by the ClinGen Sequence Variant Interpretation (SVI) working group. This working group has recommended strong functional evidence (ACMG BS3) as sufficient weightage for categorization as likely benign (Tavtigian_2018). The following publications have been ascertained in the context of this evaluation (PMID: 37713444, 29884841, 36243179, 33609447, 29360550). ClinVar contains an entry for this variant (Variation ID: 827571). Based on the evidence outlined above, the variant was classified as likely benign.

Color Diagnostics, LLC DBA Color Health
Classification: Uncertain significance for Hereditary cancer-predisposing syndrome. Last evaluated: 2023-05-23. Review status: criteria provided, single submitter. Criteria: ACMG Guidelines, 2015. Collection method: clinical testing. Allele origin: germline.
Comment: This missense variant replaces leucine with proline at codon 2768 of the BRCA2 protein. Computational prediction suggests that this variant may have deleterious impact on protein structure and function (internally defined REVEL score threshold >= 0.7, PMID: 27666373). To our knowledge, functional studies have not been reported for this variant. This variant has been reported in an individual affected with biliary tract cancer (PMID: 29360550). This variant has not been identified in the general population by the Genome Aggregation Database (gnomAD). The available evidence is insufficient to determine the role of this variant in disease conclusively. Therefore, this variant is classified as a Variant of Uncertain Significance.

Labcorp Genetics (formerly Invitae), Labcorp
Classification: Uncertain significance for Hereditary breast ovarian cancer syndrome. Last evaluated: 2020-06-13. Review status: criteria provided, single submitter. Criteria: Invitae Variant Classification Sherloc (09022015). Collection method: clinical testing. Allele origin: germline.
Comment: This sequence change replaces leucine with proline at codon 2768 of the BRCA2 protein (p.Leu2768Pro). The leucine residue is highly conserved and there is a moderate physicochemical difference between leucine and proline. This variant is not present in population databases (ExAC no frequency). This variant has been observed in individual(s) with biliary tract cancer (PMID: 29360550). ClinVar contains an entry for this variant (Variation ID: 827571). Algorithms developed to predict the effect of missense changes on protein structure and function (SIFT, PolyPhen-2, Align-GVGD) all suggest that this variant is likely to be disruptive, but these predictions have not been confirmed by published functional studies and their clinical significance is uncertain. In summary, the available evidence is currently insufficient to determine the role of this variant in disease. Therefore, it has been classified as a Variant of Uncertain Significance.

Ambry Genetics
Classification: Likely benign for Hereditary cancer-predisposing syndrome. Last evaluated: 2020-02-07. Review status: criteria provided, single submitter. Criteria: Ambry Variant Classification Scheme 2023. Collection method: clinical testing. Allele origin: germline.

Department of Pathology and Laboratory Medicine, Sinai Health System
Classification: Uncertain significance for BRCA2-related cancer predisposition. Last evaluated: 2019-11-05. Review status: criteria provided, single submitter. Criteria: ACMG Guidelines, 2015. Collection method: clinical testing. Allele origin: germline. Affected: no.

Literature cited by the submitters: PubMed 29884841 (cited by Women's Health and Genetics/Laboratory Corporation of America, LabCorp); PubMed 29360550 (cited by 4 submitters); PubMed 33609447 (cited by Women's Health and Genetics/Laboratory Corporation of America, LabCorp); PubMed 36243179 (cited by Women's Health and Genetics/Laboratory Corporation of America, LabCorp); PubMed 37713444 (cited by Women's Health and Genetics/Laboratory Corporation of America, LabCorp).

NM_000059.4(BRCA2):c.8303T>C (p.Leu2768Pro)

Gene: BRCA2 (BRCA2 DNA repair associated; plus strand). Cytogenetic location: 13q13.1.
Variant type: single nucleotide variant.
Coding change: c.8303T>C on transcript NM_000059.4 (MANE Select); coding-DNA position 8303, T replaced by C.
Protein change: p.Leu2768Pro; replaces leucine 2768 with proline.
Molecular consequence: missense variant.
Genome position (GRCh38, 1-based): chr13:32,363,505, T>C. VCF-style: chr13-32363505-T-C. GRCh37 (hg19) VCF-style: chr13-32937642-T-C.
Other names: short protein forms L2768P.
Identifiers: ClinVar variation 827571 (VCV000827571.16), dbSNP rs587782732, ClinGen allele CA387750180.
Genomic context (GRCh38, chr13:32,363,505, plus strand): 5'-GTCAGAAGATTATTCTTCATGGAGCAGAACTGGTGGGCTCTCCTGATGCCTGTACACCTC[T>C]TGAAGCCCCAGAATCTCTTATGTTAAAGGTAAATTAATTTGCACTCTTGGTAAAAATCAG-3'
Protein context (NP_000050.3, residues 2758-2778): LVGSPDACTP[Leu2768Pro]EAPESLMLKI